The following is an entry in ClinVar:

ClinVar aggregate classification (germline): Uncertain significance (1 of 4 stars; one submission).

Conditions:
Epileptic encephalopathy. Identifiers: MedGen C0543888, HP:0200134.

Allele frequency attached by ClinVar (database versions not stated): gnomAD exomes below 0.00001; TOPMed 0.00001; ExAC 0.00003.
gnomAD v4.1: 14 of 1,584,572 alleles (0.00088%); highest among the groups gnomAD compares: African/African-American, 0.0027%; no homozygotes.

Submission:

Labcorp Genetics (formerly Invitae), Labcorp
Classification: Uncertain significance for Epileptic encephalopathy. Last evaluated: 2020-11-03. Review status: criteria provided, single submitter. Criteria: Invitae Variant Classification Sherloc (09022015). Collection method: clinical testing. Allele origin: germline.
Comment: This variant is present in population databases (rs777691032, ExAC 0.005%). In summary, the available evidence is currently insufficient to determine the role of this variant in disease. Therefore, it has been classified as a Variant of Uncertain Significance. Algorithms developed to predict the effect of missense changes on protein structure and function are either unavailable or do not agree on the potential impact of this missense change (SIFT: "Deleterious"; PolyPhen-2: "Benign"; Align-GVGD: "Class C0"). This variant has not been reported in the literature in individuals with FASN-related conditions. This sequence change replaces asparagine with threonine at codon 2171 of the FASN protein (p.Asn2171Thr). The asparagine residue is weakly conserved and there is a small physicochemical difference between asparagine and threonine.

NM_004104.5(FASN):c.6512A>C (p.Asn2171Thr)

Gene: FASN (fatty acid synthase; minus strand). Cytogenetic location: 17q25.3.
Variant type: single nucleotide variant.
Coding change: c.6512A>C on transcript NM_004104.5 (MANE Select); coding-DNA position 6512, A replaced by C.
Protein change: p.Asn2171Thr; replaces asparagine 2171 with threonine.
Molecular consequence: missense variant.
Genome position (GRCh38, 1-based): chr17:82,081,247, T>G on the plus strand (A>C on the coding strand, the complement: FASN is on the minus strand). VCF-style: chr17-82081247-T-G. GRCh37 (hg19) VCF-style: chr17-80039123-T-G.
Other names: short protein forms N2171T.
Identifiers: ClinVar variation 1394705 (VCV001394705.8), dbSNP rs777691032, ClinGen allele CA8851280.